The following is an entry in ClinVar:

ClinVar aggregate classification (germline): Uncertain significance (1 of 4 stars; one submission).

Conditions:
Neuronal ceroid lipofuscinosis 13 (CLN13). Also called: CLN13 Disease; CEROID LIPOFUSCINOSIS, NEURONAL, 13 (KUFS TYPE). Identifiers: Orphanet 352709, Orphanet 79262, MedGen C3715049, MONDO:0014147, OMIM 615362.

Allele frequency attached by ClinVar (database versions not stated): ExAC 0.00002.

Submission:

Labcorp Genetics (formerly Invitae), Labcorp
Classification: Uncertain significance for Neuronal ceroid lipofuscinosis 13. Last evaluated: 2021-10-25. Review status: criteria provided, single submitter. Criteria: Invitae Variant Classification Sherloc (09022015). Collection method: clinical testing. Allele origin: germline.
Comment: In summary, the available evidence is currently insufficient to determine the role of this variant in disease. Therefore, it has been classified as a Variant of Uncertain Significance. Algorithms developed to predict the effect of missense changes on protein structure and function are either unavailable or do not agree on the potential impact of this missense change (SIFT: "Deleterious"; PolyPhen-2: "Probably Damaging"; Align-GVGD: "Class C0"). This variant has not been reported in the literature in individuals affected with CTSF-related conditions. This variant is present in population databases (rs750069810, gnomAD 0.004%). This sequence change replaces aspartic acid, which is acidic and polar, with asparagine, which is neutral and polar, at codon 330 of the CTSF protein (p.Asp330Asn).

NM_003793.4(CTSF):c.988G>A (p.Asp330Asn)

Gene: CTSF (cathepsin F; minus strand). Cytogenetic location: 11q13.2.
Variant type: single nucleotide variant.
Coding change: c.988G>A on transcript NM_003793.4 (MANE Select); coding-DNA position 988, G replaced by A.
Protein change: p.Asp330Asn; replaces aspartic acid 330 with asparagine.
Molecular consequence: missense variant.
Genome position (GRCh38, 1-based): chr11:66,565,728, C>T on the plus strand (G>A on the coding strand, the complement: CTSF is on the minus strand). VCF-style: chr11-66565728-C-T. GRCh37 (hg19) VCF-style: chr11-66333199-C-T.
Other names: short protein forms D330N.
Identifiers: ClinVar variation 1483889 (VCV001483889.6), dbSNP rs750069810, ClinGen allele CA6125360.